The following is an entry in ClinVar:

ClinVar aggregate classification (germline): Pathogenic/Likely pathogenic. Review status: criteria provided, multiple submitters, no conflicts (2 of 4 stars). 3 submissions from 3 submitters: Pathogenic (1); Likely pathogenic (2). Last evaluated 2022-01-01.

Conditions:
Inborn genetic diseases. Identifiers: MedGen C0950123, MeSH D030342.
GRIA3-related disorder. Also called: GRIA3-related condition.
Syndromic X-linked intellectual disability 94 (MRXSW). Also called: MENTAL RETARDATION, X-LINKED, SYNDROMIC 29; X-linked intellectual disability due to GRIA3 anomalies. Identifiers: Orphanet 364028, MedGen C2678051, MONDO:0010402, OMIM 300699.

Submissions (3):

Provincial Medical Genetics Program of British Columbia, University of British Columbia
Classification: Likely pathogenic for Syndromic X-linked intellectual disability 94. Last evaluated: 2022-01-01. Review status: criteria provided, single submitter. Criteria: ACMG Guidelines, 2015. Collection method: clinical testing. Allele origin: de novo. Affected: yes.

Blueprint Genetics
Classification: Likely pathogenic for GRIA3-related disorders. Last evaluated: 2019-10-11. Review status: criteria provided, single submitter. Criteria: ACMG Guidelines, 2015. Collection method: clinical testing. Allele origin: germline. Affected: yes. Observed: 1 variant allele.

Ambry Genetics
Classification: Pathogenic for Inborn genetic diseases. Last evaluated: 2015-03-26. Review status: criteria provided, single submitter. Criteria: Ambry Variant Classification Scheme 2023. Collection method: clinical testing. Allele origin: germline.
Comment: The p.R394* pathogenic mutation (also known as c.1180C>T) located in coding exon 8 of the GRIA3 gene, results from a C to T substitution at nucleotide position 1180. This changes the amino acid from an arginine to a stop codon within coding exon 8. This alteration was not reported in population based cohorts in the following databases: Database of Single Nucleotide Polymorphisms (dbSNP), NHLBI Exome Sequencing Project (ESP), and 1000 Genomes Project. In the ESP, this alteration was not observed in 6502 samples with coverage at this position. Since premature stop codons are typically deleterious in nature, this alteration is interpreted as a disease-causing mutation (ACMG Recommendations for Standards for Interpretation and Reporting of Sequence Variations. Revision 2007. Genet Med. 2008;10:294).

NM_007325.5(GRIA3):c.1180C>T (p.Arg394Ter)

Gene: GRIA3 (glutamate ionotropic receptor AMPA type subunit 3; plus strand). Cytogenetic location: Xq25.
Variant type: single nucleotide variant.
Coding change: c.1180C>T on transcript NM_007325.5 (MANE Select); coding-DNA position 1180, C replaced by T.
Protein change: p.Arg394Ter; replaces arginine 394 with a stop codon.
Molecular consequence: nonsense.
Genome position (GRCh38, 1-based): chrX:123,403,093, C>T. VCF-style: chrX-123403093-C-T. GRCh37 (hg19) VCF-style: chrX-122536944-C-T.
Other names: c.1180C>T, p.Arg394Ter (NM_000828.5); short protein forms R394*.
Identifiers: ClinVar variation 1527932 (VCV001527932.5), dbSNP rs2147383715, ClinGen allele CA414258597.